The following is an entry in ClinVar:

ClinVar aggregate classification (germline): Uncertain significance (1 of 4 stars; one submission).

Conditions:
Inborn genetic diseases. Identifiers: MedGen C0950123, MeSH D030342.

gnomAD v4.1: 3 of 1,609,806 alleles (0.00019%); highest among the groups gnomAD compares: South Asian, 0.0022%; no homozygotes.

Submission:

Ambry Genetics
Classification: Uncertain significance for Inborn genetic diseases. Last evaluated: 2025-08-13. Review status: criteria provided, single submitter. Criteria: Ambry Variant Classification Scheme 2023. Collection method: clinical testing. Allele origin: germline.
Comment: The p.H745N variant (also known as c.2233C>A), located in coding exon 14 of the RECQL4 gene, results from a C to A substitution at nucleotide position 2233. The histidine at codon 745 is replaced by asparagine, an amino acid with similar properties. This amino acid position is conserved. In addition, this alteration is predicted to be deleterious by in silico analysis. Based on the available evidence, the clinical significance of this variant remains unclear.

NM_004260.4(RECQL4):c.2233C>A (p.His745Asn)

Gene: RECQL4 (RecQ like helicase 4; minus strand). Cytogenetic location: 8q24.3.
Variant type: single nucleotide variant.
Coding change: c.2233C>A on transcript NM_004260.4 (MANE Select); coding-DNA position 2233, C replaced by A.
Protein change: p.His745Asn; replaces histidine 745 with asparagine.
Molecular consequence: missense variant. On other transcripts: non-coding transcript variant (3).
Genome position (GRCh38, 1-based): chr8:144,513,448, G>T on the plus strand (C>A on the coding strand, the complement: RECQL4 is on the minus strand). VCF-style: chr8-144513448-G-T. GRCh37 (hg19) VCF-style: chr8-145738832-G-T.
Other names: c.2137C>A, p.His713Asn (NM_001413017.1, NM_001413020.1); c.2233C>A, p.His745Asn (NM_001413018.1, NM_001413019.1, NM_001413036.1); c.1162C>A, p.His388Asn (NM_001413021.1, NM_001413022.1, NM_001413023.1 and 6 more transcripts); c.2104C>A, p.His702Asn (NM_001413025.1); c.1096C>A, p.His366Asn (NM_001413027.1, NM_001413030.1, NM_001413032.1 and 1 more transcripts); c.1882C>A, p.His628Asn (NM_001413029.1); c.964C>A, p.His322Asn (NM_001413031.1); c.2101C>A, p.His701Asn (NM_001413033.1); and 4 more; short protein forms H322N, H628N, H702N, H378N, H701N, H713N, H388N, H735N.
Identifiers: ClinVar variation 4152416 (VCV004152416.1).